The following is an entry in ClinVar:

ClinVar aggregate classification (germline): Uncertain significance (1 of 4 stars; one submission).

Conditions:
Cardiovascular phenotype. Identifiers: MedGen CN230736.

Submission:

Ambry Genetics
Classification: Uncertain significance for Cardiovascular phenotype. Last evaluated: 2026-04-20. Review status: criteria provided, single submitter. Criteria: Ambry Variant Classification Scheme 2023. Collection method: clinical testing. Allele origin: germline.
Comment: The p.V634L variant (also known as c.1900G>T), located in coding exon 11 of the CBL gene, results from a G to T substitution at nucleotide position 1900. The valine at codon 634 is replaced by leucine, an amino acid with highly similar properties. This amino acid position is conserved. In addition, this alteration is predicted to be tolerated by in silico analysis. Based on the available evidence, the clinical significance of this variant remains unclear.

NM_005188.4(CBL):c.1900G>T (p.Val634Leu)

Gene: CBL (Cbl proto-oncogene; plus strand). Cytogenetic location: 11q23.3.
Variant type: single nucleotide variant.
Coding change: c.1900G>T on transcript NM_005188.4 (MANE Select); coding-DNA position 1900, G replaced by T.
Protein change: p.Val634Leu; replaces valine 634 with leucine.
Molecular consequence: missense variant.
Genome position (GRCh38, 1-based): chr11:119,285,525, G>T. VCF-style: chr11-119285525-G-T. GRCh37 (hg19) VCF-style: chr11-119156235-G-T.
Other names: short protein forms V634L.
Identifiers: ClinVar variation 4868233 (VCV004868233.1).